The following is an entry in ClinVar:

ClinVar aggregate classification (germline): Uncertain significance (1 of 4 stars; one submission).

Conditions:
Bethlem myopathy 1A. Also called: MYOPATHY, BENIGN CONGENITAL, WITH CONTRACTURES; Bethlem Muscular Dystrophy; Bethlem myopathy 1. Identifiers: Orphanet 610, MedGen CN029274, MONDO:0024530, OMIM 158810.

gnomAD v4.1: 8 of 1,609,644 alleles (0.0005%); highest among the groups gnomAD compares: Non-Finnish European, 0.00068%; no homozygotes.

Submission:

Labcorp Genetics (formerly Invitae), Labcorp
Classification: Uncertain significance for Bethlem myopathy 1A. Last evaluated: 2017-10-30. Review status: criteria provided, single submitter. Criteria: Invitae Variant Classification Sherloc (09022015). Collection method: clinical testing. Allele origin: germline.
Comment: This sequence change replaces valine with phenylalanine at codon 460 of the COL6A1 protein (p.Val460Phe). The valine residue is moderately conserved and there is a small physicochemical difference between valine and phenylalanine. This variant is not present in population databases (ExAC no frequency). This variant has not been reported in the literature in individuals with COL6A1-related disease. Algorithms developed to predict the effect of missense changes on protein structure and function do not agree on the potential impact of this missense change (SIFT: "Deleterious"; PolyPhen-2: "Probably Damaging"; Align-GVGD: "Class C0"). In summary, the available evidence is currently insufficient to determine the role of this variant in disease. Therefore, it has been classified as a Variant of Uncertain Significance.

NM_001848.3(COL6A1):c.1378G>T (p.Val460Phe)

Gene: COL6A1 (collagen type VI alpha 1 chain; plus strand). Cytogenetic location: 21q22.3.
Variant type: single nucleotide variant.
Coding change: c.1378G>T on transcript NM_001848.3 (MANE Select); coding-DNA position 1378, G replaced by T.
Protein change: p.Val460Phe; replaces valine 460 with phenylalanine.
Molecular consequence: missense variant.
Genome position (GRCh38, 1-based): chr21:45,994,209, G>T. VCF-style: chr21-45994209-G-T. GRCh37 (hg19) VCF-style: chr21-47414123-G-T.
Other names: short protein forms V460F.
Identifiers: ClinVar variation 542980 (VCV000542980.9), dbSNP rs375452881, ClinGen allele CA410527121.